The following is an entry in ClinVar:

ClinVar aggregate classification (germline): Uncertain significance (1 of 4 stars; one submission).

gnomAD v4.1: 1 of 1,603,660 alleles (0.000062%); highest among the groups gnomAD compares: African/African-American, 0.0013%; no homozygotes.

Submission:

Labcorp Genetics (formerly Invitae), Labcorp
Classification: Uncertain significance. Last evaluated: 2025-01-23. Review status: criteria provided, single submitter. Criteria: Invitae Variant Classification Sherloc (09022015). Collection method: clinical testing. Allele origin: germline.
Comment: This sequence change replaces serine, which is neutral and polar, with phenylalanine, which is neutral and non-polar, at codon 3054 of the FAT1 protein (p.Ser3054Phe). This variant is not present in population databases (gnomAD no frequency). This variant has not been reported in the literature in individuals affected with FAT1-related conditions. Invitae Evidence Modeling of protein sequence and biophysical properties (such as structural, functional, and spatial information, amino acid conservation, physicochemical variation, residue mobility, and thermodynamic stability) indicates that this missense variant is not expected to disrupt FAT1 protein function with a negative predictive value of 80%. In summary, the available evidence is currently insufficient to determine the role of this variant in disease. Therefore, it has been classified as a Variant of Uncertain Significance.

NM_005245.4(FAT1):c.9161C>T (p.Ser3054Phe)

Gene: FAT1 (FAT atypical cadherin 1; minus strand). Cytogenetic location: 4q35.2.
Variant type: single nucleotide variant.
Coding change: c.9161C>T on transcript NM_005245.4 (MANE Select); coding-DNA position 9161, C replaced by T.
Protein change: p.Ser3054Phe; replaces serine 3054 with phenylalanine.
Molecular consequence: missense variant.
Genome position (GRCh38, 1-based): chr4:186,614,259, G>A on the plus strand (C>T on the coding strand, the complement: FAT1 is on the minus strand). VCF-style: chr4-186614259-G-A. GRCh37 (hg19) VCF-style: chr4-187535413-G-A.
Other names: short protein forms S3054F.
Identifiers: ClinVar variation 3664181 (VCV003664181.2).